The following is an entry in ClinVar:

ClinVar aggregate classification (germline): Uncertain significance (1 of 4 stars; one submission).

Conditions:
Cardiovascular phenotype. Identifiers: MedGen CN230736.

Allele frequency attached by ClinVar (database versions not stated): TOPMed below 0.00001.

Submission:

Ambry Genetics
Classification: Uncertain significance for Cardiovascular phenotype. Last evaluated: 2025-05-03. Review status: criteria provided, single submitter. Criteria: Ambry Variant Classification Scheme 2023. Collection method: clinical testing. Allele origin: germline.
Comment: The p.I371S variant (also known as c.1112T>G), located in coding exon 9 of the LAMA4 gene, results from a T to G substitution at nucleotide position 1112. The isoleucine at codon 371 is replaced by serine, an amino acid with dissimilar properties. This amino acid position is conserved. In addition, this alteration is predicted to be tolerated by in silico analysis. Since supporting evidence is limited at this time, the clinical significance of this alteration remains unclear.

NM_001105206.3(LAMA4):c.1133T>G (p.Ile378Ser)

Gene: LAMA4 (laminin subunit alpha 4; minus strand). Cytogenetic location: 6q21.
Variant type: single nucleotide variant.
Coding change: c.1133T>G on transcript NM_001105206.3 (MANE Select); coding-DNA position 1133, T replaced by G.
Protein change: p.Ile378Ser; replaces isoleucine 378 with serine.
Molecular consequence: missense variant.
Genome position (GRCh38, 1-based): chr6:112,178,177, A>C on the plus strand (T>G on the coding strand, the complement: LAMA4 is on the minus strand). VCF-style: chr6-112178177-A-C. GRCh37 (hg19) VCF-style: chr6-112499379-A-C.
Other names: c.1112T>G, p.Ile371Ser (NM_001105207.3, NM_002290.5); short protein forms I378S, I371S.
Identifiers: ClinVar variation 2447568 (VCV002447568.3), dbSNP rs782805784, ClinGen allele CA365373033.
Genomic context (GRCh38, chr6:112,178,177, plus strand): 5'-TTACCTTGGATTTTATCCCTCATATCATGGGCTTGCTCTACCAGCTGACTTGCGTGGTTA[A>C]TGGTGTCCATGCTTTCCTTCTGAACAAGTTGTCCTTTTCTGGAGGCTTGATTTTCCTACA-3'
Protein context (NP_001098676.2, residues 368-388): QLVQKESMDT[Ile378Ser]NHASQLVEQA